The following is an entry in ClinVar:

NM_000548.5(TSC2):c.3575A>C (p.Gln1192Pro)

Gene: TSC2 (TSC complex subunit 2; plus strand). Cytogenetic location: 16p13.3.
Variant type: single nucleotide variant.
Coding change: c.3575A>C on transcript NM_000548.5 (MANE Select); coding-DNA position 3575, A replaced by C.
Protein change: p.Gln1192Pro; replaces glutamine 1192 with proline.
Molecular consequence: missense variant. On other transcripts: non-coding transcript variant (5).
Genome position (GRCh38, 1-based): chr16:2,080,342, A>C. VCF-style: chr16-2080342-A-C. GRCh37 (hg19) VCF-style: chr16-2130343-A-C.
Other names: c.3446A>C, p.Gln1149Pro (NM_001370405.1, NM_001363528.2, NM_021055.3); c.3572A>C, p.Gln1191Pro (NM_001406663.1, NM_001406664.1); c.3443A>C, p.Gln1148Pro (NM_001406665.1, NM_001077183.3, NM_001370404.1); c.3536A>C, p.Gln1179Pro (NM_001406667.1); c.3533A>C, p.Gln1178Pro (NM_001406668.1); c.3464A>C, p.Gln1155Pro (NM_001406670.1); c.3434A>C, p.Gln1145Pro (NM_001406671.1); c.3431A>C, p.Gln1144Pro (NM_001406673.1); and 18 more; short protein forms Q1099P, Q1112P, Q1143P, Q1148P, Q1155P, Q1192P, Q949P, Q1100P.
Identifiers: ClinVar variation 2847006 (VCV002847006.3), dbSNP rs755559677, ClinGen allele CA394289607.

ClinVar aggregate classification (germline): Uncertain significance (1 of 4 stars; one submission).

Conditions:
Tuberous sclerosis 2 (TSC2). Identifiers: Orphanet 805, MedGen C1860707, MONDO:0013199, OMIM 613254.

Submission:

Labcorp Genetics (formerly Invitae), Labcorp
Classification: Uncertain significance for Tuberous sclerosis 2. Last evaluated: 2023-03-20. Review status: criteria provided, single submitter. Criteria: Invitae Variant Classification Sherloc (09022015). Collection method: clinical testing. Allele origin: germline.
Comment: This sequence change replaces glutamine, which is neutral and polar, with proline, which is neutral and non-polar, at codon 1192 of the TSC2 protein (p.Gln1192Pro). This variant is not present in population databases (gnomAD no frequency). This variant has not been reported in the literature in individuals affected with TSC2-related conditions. Advanced modeling of protein sequence and biophysical properties (such as structural, functional, and spatial information, amino acid conservation, physicochemical variation, residue mobility, and thermodynamic stability) performed at Invitae indicates that this missense variant is not expected to disrupt TSC2 protein function. In summary, the available evidence is currently insufficient to determine the role of this variant in disease. Therefore, it has been classified as a Variant of Uncertain Significance.